The following is an entry in ClinVar:

ClinVar aggregate classification (germline): Uncertain significance (1 of 4 stars; one submission).

Conditions:
Autosomal dominant nocturnal frontal lobe epilepsy 5. Also called: KCNT1-Related Epilepsy; CILIARY DYSKINESIA, PRIMARY, 28, WITHOUT SITUS INVERSUS; CILIARY DYSKINESIA, PRIMARY, 28, WITH SITUS INVERSUS; Epilepsy, nocturnal frontal lobe, 5. Identifiers: Orphanet 98784, MedGen C3554306, MONDO:0014002, OMIM 615005.
Developmental and epileptic encephalopathy, 14 (DEE14). Also called: Early infantile epileptic encephalopathy 14. Identifiers: Orphanet 293181, MedGen C3554195, MONDO:0013989, OMIM 614959.

Submission:

Labcorp Genetics (formerly Invitae), Labcorp
Classification: Uncertain significance for Autosomal dominant nocturnal frontal lobe epilepsy 5; Developmental and epileptic encephalopathy, 14. Last evaluated: 2025-03-25. Review status: criteria provided, single submitter. Criteria: Invitae Variant Classification Sherloc (09022015). Collection method: clinical testing. Allele origin: germline.
Comment: This sequence change replaces histidine, which is basic and polar, with tyrosine, which is neutral and polar, at codon 1159 of the KCNT1 protein (p.His1159Tyr). This variant is present in population databases (no rsID available, gnomAD 0.005%). This variant has not been reported in the literature in individuals affected with KCNT1-related conditions. Invitae Evidence Modeling of protein sequence and biophysical properties (such as structural, functional, and spatial information, amino acid conservation, physicochemical variation, residue mobility, and thermodynamic stability) indicates that this missense variant is not expected to disrupt KCNT1 protein function with a negative predictive value of 80%. In summary, the available evidence is currently insufficient to determine the role of this variant in disease. Therefore, it has been classified as a Variant of Uncertain Significance.

NM_020822.3(KCNT1):c.3475C>T (p.His1159Tyr)

Gene: KCNT1 (potassium sodium-activated channel subfamily T member 1; plus strand). Cytogenetic location: 9q34.3.
Variant type: single nucleotide variant.
Coding change: c.3475C>T on transcript NM_020822.3 (MANE Select); coding-DNA position 3475, C replaced by T.
Protein change: p.His1159Tyr; replaces histidine 1159 with tyrosine.
Molecular consequence: missense variant.
Genome position (GRCh38, 1-based): chr9:135,786,494, C>T. VCF-style: chr9-135786494-C-T. GRCh37 (hg19) VCF-style: chr9-138678340-C-T.
Other names: c.3340C>T, p.His1114Tyr (NM_001272003.2); short protein forms H1114Y, H1159Y.
Identifiers: ClinVar variation 3753847 (VCV003753847.2).